The following is an entry in ClinVar:

NM_004817.4(TJP2):c.679C>T (p.His227Tyr)

Gene: TJP2 (tight junction protein 2; plus strand). Cytogenetic location: 9q21.11.
Variant type: single nucleotide variant.
Coding change: c.679C>T on transcript NM_004817.4 (MANE Select); coding-DNA position 679, C replaced by T.
Protein change: p.His227Tyr; replaces histidine 227 with tyrosine.
Molecular consequence: missense variant.
Genome position (GRCh38, 1-based): chr9:69,221,223, C>T. VCF-style: chr9-69221223-C-T. GRCh37 (hg19) VCF-style: chr9-71836139-C-T.
Other names: c.610C>T, p.His204Tyr (NM_001170414.2, NM_001369870.1, NM_001369871.1); c.691C>T, p.His231Tyr (NM_001170415.1, NM_001369874.1, NM_001369875.1); c.772C>T, p.His258Tyr (NM_001170416.2); c.679C>T, p.His227Tyr (NM_001369872.1, NM_001369873.1, NM_201629.3); short protein forms H204Y, H227Y, H231Y, H258Y.
Identifiers: ClinVar variation 2574977 (VCV002574977.2), dbSNP rs373515581, ClinGen allele CA5073069.

ClinVar aggregate classification (germline): Uncertain significance. Review status: criteria provided, multiple submitters, no conflicts (2 of 4 stars). 2 submissions from 2 submitters: Uncertain significance (2). Last evaluated 2025-10-29.

Conditions:
Inborn genetic diseases. Identifiers: MedGen C0950123, MeSH D030342.

Submissions (2):

Ambry Genetics
Classification: Uncertain significance for Inborn genetic diseases. Last evaluated: 2025-10-29. Review status: criteria provided, single submitter. Criteria: Ambry Variant Classification Scheme 2023. Collection method: clinical testing. Allele origin: germline.

GeneDx
Classification: Uncertain significance. Last evaluated: 2023-07-24. Review status: criteria provided, single submitter. Criteria: GeneDx Variant Classification Process June 2021. Collection method: clinical testing. Allele origin: germline. Affected: yes.
Comment: In silico analysis supports that this missense variant does not alter protein structure/function; Has not been previously published as pathogenic or benign to our knowledge